The following is an entry in ClinVar:

NM_005243.4(EWSR1):c.1393G>A (p.Gly465Ser)

Gene: EWSR1 (EWS RNA binding protein 1; plus strand). Cytogenetic location: 22q12.2.
Variant type: single nucleotide variant.
Coding change: c.1393G>A on transcript NM_005243.4 (MANE Select); coding-DNA position 1393, G replaced by A.
Protein change: p.Gly465Ser; replaces glycine 465 with serine.
Molecular consequence: missense variant.
Genome position (GRCh38, 1-based): chr22:29,297,925, G>A. VCF-style: chr22-29297925-G-A. GRCh37 (hg19) VCF-style: chr22-29693915-G-A.
Other names: c.1390G>A, p.Gly464Ser (NM_001163285.2); c.1225G>A, p.Gly409Ser (NM_001163286.2); c.1408G>A, p.Gly470Ser (NM_013986.4); short protein forms G409S, G464S, G465S, G470S.
Identifiers: ClinVar variation 981022 (VCV000981022.31), dbSNP rs41311143, ClinGen allele CA10171733.

ClinVar aggregate classification (germline): Conflicting classifications of pathogenicity. Review status: criteria provided, conflicting classifications (1 of 4 stars). 3 submissions from 3 submitters: Uncertain significance (2); Benign (1). Last evaluated 2026-01-01.

Conditions:
Amyotrophic lateral sclerosis (ALS). Also called: Charcot disease; Lou Gehrig disease. Identifiers: Orphanet 803, MedGen C0002736, MONDO:0004976, HP:0007354.

Allele frequency attached by ClinVar (database versions not stated): 1000 Genomes Project 0.00260; 1000 Genomes Project 30x 0.00265; gnomAD exomes 0.00815; ExAC 0.00823; gnomAD 0.00851 and 0.00947; TOPMed 0.00926; ESP Exome Variant Server 0.00969.
gnomAD v4.1: 20,449 of 1,613,864 alleles (1.3%); highest among the groups gnomAD compares: Non-Finnish European, 1.5%; 166 homozygotes.

Submissions (3):

CeGaT Center for Human Genetics Tuebingen
Classification: Benign. Last evaluated: 2026-01-01. Review status: criteria provided, single submitter. Criteria: CeGaT Center For Human Genetics Tuebingen Variant Classification Criteria Version 2. Collection method: clinical testing. Allele origin: germline. Affected: yes. Observed: 5 variant alleles.
Comment: EWSR1: BS1, BS2

UM ALS/MND Lab, University Of Malta
Classification: Uncertain significance for Amyotrophic lateral sclerosis. Last evaluated: 2020-09-09. Review status: criteria provided, single submitter. Criteria: ACMG Guidelines, 2015. Collection method: case-control. Allele origin: unknown. Affected: yes. Observed: 1 variant allele.
Comment: Single heterozygote

Breakthrough Genomics
Classification: Uncertain significance. Review status: criteria provided, single submitter. Criteria: ACMG Guidelines, 2015. Collection method: not provided. Allele origin: germline. Inheritance: Autosomal dominant inheritance. Affected: yes.